The following is an entry in ClinVar:

NM_001267550.2(TTN):c.104159A>T (p.Glu34720Val)

Genes: TTN (titin; minus strand), TTN-AS1 (TTN antisense RNA 1; plus strand). Cytogenetic location: 2q31.2.
Variant type: single nucleotide variant.
Coding change: c.104159A>T on transcript NM_001267550.2 (MANE Select); coding-DNA position 104159, A replaced by T.
Protein change: p.Glu34720Val; replaces glutamic acid 34720 with valine.
Molecular consequence: missense variant.
Genome position (GRCh38, 1-based): chr2:178,532,456, T>A on the plus strand (A>T on the coding strand, the complement: TTN is on the minus strand). VCF-style: chr2-178532456-T-A. GRCh37 (hg19) VCF-style: chr2-179397183-T-A.
Other names: c.99236A>T, p.Glu33079Val (NM_001256850.1); c.76964A>T, p.Glu25655Val (NM_003319.4); c.96455A>T, p.Glu32152Val (NM_133378.4); c.77339A>T, p.Glu25780Val (NM_133432.3); c.77540A>T, p.Glu25847Val (NM_133437.4); short protein forms E32152V, E25655V, E34720V, E25780V, E33079V, E25847V.
Identifiers: ClinVar variation 1985160 (VCV001985160.3), dbSNP rs1391531165, ClinGen allele CA349412345.
Genomic context (GRCh38, chr2:178,532,456, plus strand): 5'-CTAGCTTCAGCCTTCGTTGGGATGTGATAGGTTGAATACCTGAAGTCTTTTCTTGTTTCC[T>A]CCACCTTGACATGAGCTTGTGGTGAAGAGTAACGTAGGCTAGAAAGCTCAAAGTGTGGAG-3'
Protein context (NP_001254479.2, residues 34710-34730): YSSPQAHVKV[Glu34720Val]ETRKDFRYST

ClinVar aggregate classification (germline): Uncertain significance (1 of 4 stars; one submission).

Conditions:
Dilated cardiomyopathy 1G (CMD1G). Identifiers: Orphanet 154, MedGen C1858763, MONDO:0011400, OMIM 604145.
Autosomal recessive limb-girdle muscular dystrophy type 2J (LGMDR10). Also called: Limb-girdle muscular dystrophy, type 2J; MUSCULAR DYSTROPHY, LIMB-GIRDLE, AUTOSOMAL RECESSIVE 10. Identifiers: Orphanet 140922, MedGen C1837342, MONDO:0012127, OMIM 608807.

gnomAD v4.1: 3 of 1,614,026 alleles (0.00019%); highest among the groups gnomAD compares: Non-Finnish European, 0.00025%; no homozygotes.

Submission:

Labcorp Genetics (formerly Invitae), Labcorp
Classification: Uncertain significance for Dilated cardiomyopathy 1G; Autosomal recessive limb-girdle muscular dystrophy type 2J. Last evaluated: 2025-03-31. Review status: criteria provided, single submitter. Criteria: Invitae Variant Classification Sherloc (09022015). Collection method: clinical testing. Allele origin: germline.
Comment: This sequence change replaces glutamic acid, which is acidic and polar, with valine, which is neutral and non-polar, at codon 34720 of the TTN protein (p.Glu34720Val). This variant is present in population databases (no rsID available, gnomAD 0.0009%). This variant has not been reported in the literature in individuals affected with TTN-related conditions. ClinVar contains an entry for this variant (Variation ID: 1985160). Experimental studies and prediction algorithms are not available or were not evaluated, and the functional significance of this variant is currently unknown. This variant is located in the M band of TTN (PMID: 25589632). Non-truncating variants in this region may be relevant for neuromuscular disorders, but have not been definitively shown to cause cardiomyopathy (PMID: 23975875). In summary, the available evidence is currently insufficient to determine the role of this variant in disease. Therefore, it has been classified as a Variant of Uncertain Significance.

Literature cited by the submitters: PubMed 25589632; PubMed 23975875.